The following is an entry in ClinVar:

NM_003172.4(SURF1):c.323+229G>A

Gene: SURF1 (SURF1 cytochrome c oxidase assembly factor; minus strand). Cytogenetic location: 9q34.2.
Variant type: single nucleotide variant.
Coding change: c.323+229G>A on transcript NM_003172.4 (MANE Select); 229 bases into the intron after coding-DNA position 323, G replaced by A.
Molecular consequence: intron variant.
Genome position (GRCh38, 1-based): chr9:133,354,430, C>T on the plus strand (G>A on the coding strand, the complement: SURF1 is on the minus strand). VCF-style: chr9-133354430-C-T. GRCh37 (hg19) VCF-style: chr9-136221285-C-T.
Other names: c.-5+229G>A (NM_001280787.1).
Identifiers: ClinVar variation 673799 (VCV000673799.1), dbSNP rs116570262, ClinGen allele CA200833261.

ClinVar aggregate classification (germline): Likely benign (1 of 4 stars; one submission).

Allele frequency attached by ClinVar (database versions not stated): gnomAD 0.00613 and 0.00656; TOPMed 0.00645; 1000 Genomes Project 0.00819; 1000 Genomes Project 30x 0.00828.

Submission:

GeneDx
Classification: Likely benign. Last evaluated: 2018-06-16. Review status: criteria provided, single submitter. Criteria: GeneDx Variant Classification (06012015). Collection method: clinical testing. Allele origin: germline. Affected: yes.
Comment: This variant is considered likely benign or benign based on one or more of the following criteria: it is a conservative change, it occurs at a poorly conserved position in the protein, it is predicted to be benign by multiple in silico algorithms, and/or has population frequency not consistent with disease.